The following is an entry in ClinVar:

ClinVar aggregate classification (germline): Uncertain significance (1 of 4 stars; one submission).

Submission:

Labcorp Genetics (formerly Invitae), Labcorp
Classification: Uncertain significance. Last evaluated: 2022-05-19. Review status: criteria provided, single submitter. Criteria: Invitae Variant Classification Sherloc (09022015). Collection method: clinical testing. Allele origin: germline.
Comment: A copy number gain of the genomic region encompassing the full coding sequence of the MYO18B gene has been identified. The boundaries of this event are unknown as they extend beyond the assayed region for this gene and therefore may encompass additional genes. As the precise location of this event is unknown, it may be in tandem or it may be located elsewhere in the genome. This variant has not been reported in the literature in individuals affected with MYO18B-related conditions. In summary, the available evidence is currently insufficient to determine the role of this variant in disease. Therefore, it has been classified as a Variant of Uncertain Significance.

NC_000022.10:g.(?_26142492)_(26423644_?)dup

Gene: MYO18B (myosin XVIIIB; plus strand). Cytogenetic location: 22q12.1.
Variant type: Duplication.
Identifiers: ClinVar variation 2427053 (VCV002427053.4).